The following is an entry in ClinVar:

NM_001297.5(CNGB1):c.2732A>G (p.Lys911Arg)

Gene: CNGB1 (cyclic nucleotide gated channel subunit beta 1; minus strand). Cytogenetic location: 16q21.
Variant type: single nucleotide variant.
Coding change: c.2732A>G on transcript NM_001297.5 (MANE Select); coding-DNA position 2732, A replaced by G.
Protein change: p.Lys911Arg; replaces lysine 911 with arginine.
Molecular consequence: missense variant.
Genome position (GRCh38, 1-based): chr16:57,903,884, T>C on the plus strand (A>G on the coding strand, the complement: CNGB1 is on the minus strand). VCF-style: chr16-57903884-T-C. GRCh37 (hg19) VCF-style: chr16-57937788-T-C.
Other names: c.2714A>G, p.Lys905Arg (NM_001286130.2); short protein forms K911R, K905R.
Identifiers: ClinVar variation 166892 (VCV000166892.22), dbSNP rs2303785, ClinGen allele CA179894.

ClinVar aggregate classification (germline): Benign. Review status: criteria provided, multiple submitters, no conflicts (2 of 4 stars). 6 submissions from 6 submitters: Benign (6). Last evaluated 2026-02-04.

Conditions:
Retinal dystrophy. Also called: Inherited retinal dystrophy. Identifiers: Orphanet 71862, MedGen C0854723, MeSH D058499, MONDO:0019118, HP:0000556.
Retinitis pigmentosa (RP). Identifiers: Orphanet 791, MedGen C0035334, MeSH D012174, MONDO:0019200, OMIM 268000. Inheritance: Autosomal dominant, autosomal recessive and X linked inheritance.

Allele frequency attached by ClinVar (database versions not stated): 1000 Genomes Project 30x 0.07698; TOPMed 0.09131; ESP Exome Variant Server 0.08292; gnomAD 0.08900 and 0.09003; ExAC 0.10473; gnomAD exomes 0.10834; 1000 Genomes Project 0.07708.
gnomAD v4.1: 176,414 of 1,613,980 alleles (11%); highest among the groups gnomAD compares: Admixed American, 15%; 10,337 homozygotes.

Submissions (11):

Labcorp Genetics (formerly Invitae), Labcorp
Classification: Benign. Last evaluated: 2026-02-04. Review status: criteria provided, single submitter. Criteria: Invitae Variant Classification Sherloc (09022015). Collection method: clinical testing. Allele origin: germline.

Blueprint Genetics
Classification: Benign. Last evaluated: 2024-11-28. Review status: criteria provided, single submitter. Criteria: ACMG Guidelines, 2015. Collection method: clinical testing. Allele origin: germline.

Dept Of Ophthalmology, Nagoya University
Classification: Benign for Retinal dystrophy. Last evaluated: 2023-10-01. Review status: criteria provided, single submitter. Criteria: Submitter's publication. Collection method: research. Allele origin: germline. Affected: yes.

Illumina Laboratory Services, Illumina
Classification: Benign for Retinitis pigmentosa. Last evaluated: 2018-01-13. Review status: criteria provided, single submitter. Criteria: ICSL Variant Classification Criteria 13 December 2019. Collection method: clinical testing. Allele origin: germline.
Comment: This variant was observed in the ICSL laboratory as part of a predisposition screen in an ostensibly healthy population. It had not been previously curated by ICSL or reported in the Human Gene Mutation Database (HGMD: prior to June 1st, 2018), and was therefore a candidate for classification through an automated scoring system. Utilizing variant allele frequency, disease prevalence and penetrance estimates, and inheritance mode, an automated score was calculated to assess if this variant is too frequent to cause the disease. Based on the score and internal cut-off values, a variant classified as benign is not then subjected to further curation. The score for this variant resulted in a classification of benign for this disease.

Eurofins Ntd Llc (ga)
Classification: Benign. Last evaluated: 2014-01-09. Review status: criteria provided, single submitter. Criteria: EGL Classification Definitions 2015. Collection method: clinical testing. Allele origin: germline. Observed: 4 variant alleles, 4 heterozygotes.

Breakthrough Genomics
Classification: Benign. Review status: criteria provided, single submitter. Criteria: ACMG Guidelines, 2015. Collection method: not provided. Allele origin: germline. Inheritance: Autosomal recessive inheritance. Affected: yes.

Dr. Peter K. Rogan Lab, Western University
No classification provided (evidence only). Condition: Malignant lymphoma, large B-cell, diffuse. Review status: no classification provided. Collection method: in vitro. Allele origin: not applicable. Functional consequence: retained intron. Not counted in ClinVar's aggregate classification.

Dr. Peter K. Rogan Lab, Western University
No classification provided (evidence only). Condition: Malignant lymphoma, large B-cell, diffuse. Review status: no classification provided. Collection method: in vitro. Allele origin: not applicable. Functional consequence: retained intron. Not counted in ClinVar's aggregate classification.

Dr. Peter K. Rogan Lab, Western University
No classification provided (evidence only). Condition: Malignant lymphoma, large B-cell, diffuse. Review status: no classification provided. Collection method: in vitro. Allele origin: not applicable. Functional consequence: retained intron. Not counted in ClinVar's aggregate classification.

Dr. Peter K. Rogan Lab, Western University
No classification provided (evidence only). Condition: Adrenocortical carcinoma, hereditary. Review status: no classification provided. Collection method: in vitro. Allele origin: not applicable. Functional consequence: retained intron. Not counted in ClinVar's aggregate classification.

Dr. Peter K. Rogan Lab, Western University
No classification provided (evidence only). Condition: Adrenocortical carcinoma, hereditary. Review status: no classification provided. Collection method: in vitro. Allele origin: not applicable. Functional consequence: retained intron. Not counted in ClinVar's aggregate classification.